The following is an entry in ClinVar:

NM_003803.3(MYOM1):c.1175_1339[3] (p.Asn446_Gly447insValGlyValThrProTyrGlyTyrAlaSerArgPheGluIleHisPheAspAspLysPheAspValSerPheGlyArgGluGlyGluThrMetSerLeuGlyCysArgValValIleThrProGluIleLysHisPheGlnProGluIleGlnTrpTyrArgAsnValGlyValThrProTyrGlyTyrAlaSerArgPheGluIleHisPheAspAspL...(Total 360))

Gene: MYOM1 (myomesin 1; minus strand). Cytogenetic location: 18p11.31.
Variant type: Microsatellite.
Molecular consequence: splice acceptor variant (on NM_003803.4).
Genome position: GRCh38, VCF-style position (the base before the change): chr18:3,168,816. GRCh37 (hg19), VCF-style position (the base before the change): chr18:3,168,814.
Other names: NM_003803.3:c.(?_1175)_(1339_?)[3]; p.?; c.1339_1339+1insGTTGGTGTGACCCCATATGGTTATGCATCCCGGTTTGAGATCCACTTTGATGACAAATTTGATGTGTCTTTTGGGAGAGAGGGAGAGACAATGAGTCTAGGCTGTCGTGTTGTCATCACTCCTGAAATTAAACATTTCCAGCCAGAGATCCAGTGGTACAGAAACGTTGGTGTGACCCCATATGGTTATGCATCCCGGTTTGAGATCCACTTTGATGACAAATTTGATGTGTCTTTTGGGAGAGAGGGAGAGACAATGAGTCTAGGCTGTCGTGTTGTCATCACTCCTGAAATTAAACATTTCCAGCCAGAGATCCAGTGGTACAGAAAC (NM_019856.2, NM_003803.4).
Identifiers: ClinVar variation 229013 (VCV000229013.5), dbSNP rs1598739432, ClinGen allele CA915952267.

ClinVar aggregate classification (germline): Uncertain significance (1 of 4 stars; one submission).

Submission:

Laboratory for Molecular Medicine, Mass General Brigham Personalized Medicine
Classification: Uncertain significance. Last evaluated: 2015-11-02. Review status: criteria provided, single submitter. Criteria: LMM Criteria. Collection method: clinical testing. Allele origin: germline. Observed: 2 variant alleles.
Comment: The c.(?_1175)_(1339_?)(3) variant in MYOM1 results in three copies of exon 9. This variant has not been previously reported in individuals with cardiomyopathy and data from large population studies is insufficient to assess its frequency in the general population. The impact on the protein cannot be predicted with ce rtainty without additional studies. In addition, the spectrum of pathogenic vari ants of MYOM1 is currently not well understood. In summary, the clinical signifi cance of this variant is uncertain.